The following is an entry in ClinVar:

NR_003051.3(RMRP):n.-27_-6dup22

Gene: RMRP (RNA component of mitochondrial RNA processing endoribonuclease; minus strand). Cytogenetic location: 9p13.3.
Variant type: Duplication.
Genome position: GRCh38 VCF-style: chr9-35658023-C-CCTCAGCTTCACAGAGTAGTATT. GRCh37 (hg19) VCF-style: chr9-35658020-C-CCTCAGCTTCACAGAGTAGTATT.
Identifiers: ClinVar variation 974952 (VCV000974952.1), dbSNP rs1823638952, ClinGen allele CA1139660933.
Genomic context (GRCh38, chr9:35,658,023, plus strand): 5'-GGGGAGGAACAGAGTCCTCAGTGTGTAGCCTAGGATACAGGCCTTCAGCACGAACCACGT[C>CCTCAGCTTCACAGAGTAGTATT]CTCAGCTTCACAGAGTAGTATTTTATAGCCCTAAAGAAATTGTGTTTTATGATTAGGGTG-3'

ClinVar aggregate classification (germline): Likely pathogenic (1 of 4 stars; one submission).

Conditions:
Metaphyseal chondrodysplasia, McKusick type (CHH). Also called: Cartilage-hair hypoplasia; Cartilage-Hair Hypoplasia (CHH). Identifiers: Orphanet 175, MedGen C0220748, MONDO:0009595, OMIM 250250.

Submission:

Women's Health and Genetics/Laboratory Corporation of America, LabCorp
Classification: Likely pathogenic for Metaphyseal chondrodysplasia, McKusick type. Last evaluated: 2020-07-10. Review status: criteria provided, single submitter. Criteria: LabCorp Variant Classification Summary - May 2015. Collection method: clinical testing. Allele origin: germline.
Comment: Variant summary: RMRP n.-27_-6dup22 involves the duplication of 22 nucleotides in the promoter region of RMRP, which is located between the TATA box (-33 to -25) and the transcription initiation site. Other insertions or duplications in the promoter region of RMRP have been classified as pathogenic (internally and in ClinVar). The variant was absent in 127922 control chromosomes (gnomAD). The available data on variant occurrences in the general population are insufficient to allow any conclusion about variant significance. To our knowledge, no occurrence of n.-27_-6dup22 in individuals affected with Cartilage-Hair Hypoplasia and no experimental evidence demonstrating its impact on protein function have been reported. However, many other insertions or duplications in the promoter region of RMRP have been reported in affected individuals in the literature (e.g. PMIDs: 21956908, 21396580) and have been demonstrated through functional studies to lead to reduced RMRP transcription (e.g. PMIDs: 11207361, 16254002). No clinical diagnostic laboratories have submitted clinical-significance assessments for this variant to ClinVar after 2014. Based on the evidence outlined above, the variant was classified as likely pathogenic.